The following is an entry in ClinVar:

NM_139318.5(KCNH5):c.1622del (p.Asn541fs)

Gene: KCNH5 (potassium voltage-gated channel subfamily H member 5; minus strand). Cytogenetic location: 14q23.2.
Variant type: Deletion.
Coding change: c.1622del on transcript NM_139318.5 (MANE Select); coding-DNA position 1622, one base deleted (A; older notation c.1622delA).
Protein change: p.Asn541fs; shifts the reading frame from asparagine 541.
Molecular consequence: frameshift variant.
Genome position (GRCh38, 1-based): chr14:62,802,529, T deleted on the plus strand (A on the coding strand, the reverse complement: KCNH5 is on the minus strand); the first of 3 consecutive T bases (chr14:62,802,529-62,802,531); deleting any one gives the same sequence. VCF-style (leftmost placement, unchanged base first): chr14-62802528-GT-G. GRCh37 (hg19) VCF-style: chr14-63269246-GT-G.
Other names: c.1622del, p.Asn541fs (NM_172375.3); short protein forms N541fs.
Identifiers: ClinVar variation 1508237 (VCV001508237.7), dbSNP rs2140000165, ClinGen allele CA2573149992.
Genomic context (GRCh38, chr14:62,802,528, plus strand): 5'-GGCGCGCAGACACCCATCGCTGGCCAATCGAAAAGCAGGATGTTCATTAAAAACCTTCCG[GT>G]TTAGATGAACACAGATATCAGCTCTCATGTCCTTGGGACAGATGGAGAGGACCTAAAGAA-3'

ClinVar aggregate classification (germline): Uncertain significance (1 of 4 stars; one submission).

Conditions:
Early-infantile DEE. Also called: Early infantile epileptic encephalopathy; Ohtahara syndrome; Early infantile epileptic encephalopathy with suppression bursts. Identifiers: Orphanet 1934, MedGen C0393706, MONDO:0800491.

Submission:

Labcorp Genetics (formerly Invitae), Labcorp
Classification: Uncertain significance for Early-infantile DEE. Last evaluated: 2020-12-14. Review status: criteria provided, single submitter. Criteria: Invitae Variant Classification Sherloc (09022015). Collection method: clinical testing. Allele origin: germline.
Comment: This sequence change creates a premature translational stop signal (p.Asn541Thrfs*24) in the KCNH5 gene. It is expected to result in an absent or disrupted protein product. However, the current clinical and genetic evidence is not sufficient to establish whether loss-of-function variants in KCNH5 cause disease. This variant is not present in population databases (ExAC no frequency). This variant has not been reported in the literature in individuals with KCNH5-related conditions. In summary, the available evidence is currently insufficient to determine the role of this variant in disease. Therefore, it has been classified as a Variant of Uncertain Significance.